The following is an entry in ClinVar:

NM_001278064.2(GRM1):c.745G>T (p.Ala249Ser)

Gene: GRM1 (glutamate metabotropic receptor 1; plus strand). Cytogenetic location: 6q24.3.
Variant type: single nucleotide variant.
Coding change: c.745G>T on transcript NM_001278064.2 (MANE Select); coding-DNA position 745, G replaced by T.
Protein change: p.Ala249Ser; replaces alanine 249 with serine.
Molecular consequence: missense variant.
Genome position (GRCh38, 1-based): chr6:146,159,392, G>T. VCF-style: chr6-146159392-G-T. GRCh37 (hg19) VCF-style: chr6-146480528-G-T.
Other names: c.745G>T, p.Ala249Ser (NM_001278065.2, NM_001278066.1, NM_001278067.1); short protein forms A249S.
Identifiers: ClinVar variation 3373765 (VCV003373765.1).

ClinVar aggregate classification (germline): Uncertain significance (1 of 4 stars; one submission).

Submission:

GeneDx
Classification: Uncertain significance. Last evaluated: 2024-03-05. Review status: criteria provided, single submitter. Criteria: GeneDx Variant Classification Process June 2021. Collection method: clinical testing. Allele origin: germline. Affected: yes.
Comment: Not observed at significant frequency in large population cohorts (gnomAD); In silico analysis supports that this missense variant does not alter protein structure/function; Has not been previously published as pathogenic or benign to our knowledge